The following is an entry in ClinVar:

ClinVar aggregate classification (germline): Uncertain significance (1 of 4 stars; one submission).

Conditions:
Cardiac arrhythmia. Also called: Cardiac rhythm disease; Arrhythmia. Identifiers: MedGen C0003811, MONDO:0007263, HP:0011675.

Submission:

Color Diagnostics, LLC DBA Color Health
Classification: Uncertain significance for Cardiac arrhythmia. Last evaluated: 2024-03-07. Review status: criteria provided, single submitter. Criteria: ACMG Guidelines, 2015. Collection method: clinical testing. Allele origin: germline.
Comment: This missense variant replaces aspartic acid with glycine at codon 1156 of the KCNH2 protein. Computational prediction tool suggests that this variant may have deleterious impact on protein structure and function (internally defined REVEL score threshold >=0.7, PMID: 27666373). Splice site prediction tools suggest that this variant may not impact RNA splicing. To our knowledge, functional studies have not been performed for this variant. This variant has not been reported in individuals affected with cardiovascular disorders in the literature. This variant has not been identified in the general population by the Genome Aggregation Database (gnomAD). The available evidence is insufficient to determine the role of this variant in disease conclusively. Therefore, this variant is classified as a Variant of Uncertain Significance.

NM_000238.4(KCNH2):c.3467A>G (p.Asp1156Gly)

Gene: KCNH2 (potassium voltage-gated channel subfamily H member 2; minus strand). Cytogenetic location: 7q36.1.
Variant type: single nucleotide variant.
Coding change: c.3467A>G on transcript NM_000238.4 (MANE Select); coding-DNA position 3467, A replaced by G.
Protein change: p.Asp1156Gly; replaces aspartic acid 1156 with glycine.
Molecular consequence: missense variant.
Genome position (GRCh38, 1-based): chr7:150,945,378, T>C on the plus strand (A>G on the coding strand, the complement: KCNH2 is on the minus strand). VCF-style: chr7-150945378-T-C. GRCh37 (hg19) VCF-style: chr7-150642466-T-C.
Other names: c.2447A>G, p.Asp816Gly (NM_172057.3); short protein forms D1156G, D816G.
Identifiers: ClinVar variation 926485 (VCV000926485.6), dbSNP rs1266712553, ClinGen allele CA369851361.